The following is an entry in ClinVar:

NM_181783.4(TMTC3):c.311G>C (p.Ser104Thr)

Gene: TMTC3 (transmembrane O-mannosyltransferase targeting cadherins 3; plus strand). Cytogenetic location: 12q21.32.
Variant type: single nucleotide variant.
Coding change: c.311G>C on transcript NM_181783.4 (MANE Select); coding-DNA position 311, G replaced by C.
Protein change: p.Ser104Thr; replaces serine 104 with threonine.
Molecular consequence: missense variant. On other transcripts: non-coding transcript variant (1), intron variant (2).
Genome position (GRCh38, 1-based): chr12:88,153,412, G>C. VCF-style: chr12-88153412-G-C. GRCh37 (hg19) VCF-style: chr12-88547189-G-C.
Other names: c.131G>C, p.Ser44Thr (NM_001366574.1); c.44G>C, p.Ser15Thr (NM_001366580.1); c.190-876G>C (NM_001366579.1); c.-285-876G>C (NM_001366583.1); c.311G>C (NM_181783.3); short protein forms S15T, S44T, S104T.
Identifiers: ClinVar variation 1425496 (VCV001425496.7), dbSNP rs150142881, ClinGen allele CA6713013.

ClinVar aggregate classification (germline): Uncertain significance. Review status: criteria provided, multiple submitters, no conflicts (2 of 4 stars). 2 submissions from 2 submitters: Uncertain significance (2). Last evaluated 2024-09-30.

Conditions:
Inborn genetic diseases. Identifiers: MedGen C0950123, MeSH D030342.

Allele frequency attached by ClinVar (database versions not stated): gnomAD exomes 0.00002 and 0.00006; ExAC 0.00005; gnomAD 0.00007 and 0.00008; 1000 Genomes Project 30x 0.00016; 1000 Genomes Project 0.00020; TOPMed 0.00020; ESP Exome Variant Server 0.00023.
gnomAD v4.1: 37 of 1,613,570 alleles (0.0023%); highest among the groups gnomAD compares: African/African-American, 0.041%; no homozygotes.

Submissions (2):

Ambry Genetics
Classification: Uncertain significance for Inborn genetic diseases. Last evaluated: 2024-09-30. Review status: criteria provided, single submitter. Criteria: Ambry Variant Classification Scheme 2023. Collection method: clinical testing. Allele origin: germline.

Labcorp Genetics (formerly Invitae), Labcorp
Classification: Uncertain significance. Last evaluated: 2021-12-02. Review status: criteria provided, single submitter. Criteria: Invitae Variant Classification Sherloc (09022015). Collection method: clinical testing. Allele origin: germline.
Comment: This variant is present in population databases (rs150142881, gnomAD 0.05%). This sequence change replaces serine, which is neutral and polar, with threonine, which is neutral and polar, at codon 104 of the TMTC3 protein (p.Ser104Thr). In summary, the available evidence is currently insufficient to determine the role of this variant in disease. Therefore, it has been classified as a Variant of Uncertain Significance. Algorithms developed to predict the effect of missense changes on protein structure and function output the following: SIFT: "Tolerated"; PolyPhen-2: "Benign"; Align-GVGD: "Class C0". The threonine amino acid residue is found in multiple mammalian species, which suggests that this missense change does not adversely affect protein function. This variant has not been reported in the literature in individuals affected with TMTC3-related conditions.